The following is an entry in ClinVar:

ClinVar aggregate classification (germline): Likely pathogenic (1 of 4 stars; one submission).

Conditions:
Mucopolysaccharidosis, MPS-III-B (MPS3B). Also called: MUCOPOLYSACCHARIDOSIS, TYPE IIIB; Mucopolysaccharidosis type IIIB (Sanfilippo B); N-ACETYL-ALPHA-D-GLUCOSAMINIDASE DEFICIENCY; NAGLU DEFICIENCY; SANFILIPPO SYNDROME B; MPS III B. Identifiers: Orphanet 79270, MedGen C0086648, MONDO:0009656, OMIM 252920.

Submission:

Foundation for Research in Genetics and Endocrinology, FRIGE's Institute of Human Genetics
Classification: Likely pathogenic for Mucopolysaccharidosis, MPS-III-B. Last evaluated: 2022-08-08. Review status: criteria provided, single submitter. Criteria: ACMG Guidelines, 2015. Collection method: clinical testing. Allele origin: germline. Inheritance: Autosomal recessive inheritance. Affected: yes. Observed: 1 homozygote.
Comment: A homozygous missense variation in exon 4 of the NAGLU gene that results in the amino acid substitution of Tryptophan for Glycine at codon502 was detected. The observed variant c.739G>T (p.Gly247Trp) has not been reported in the 1000 genomes and has a MAF of 0.007% in the gnomAD databases. The in silico prediction of the variant is by MutationTaster2. The reference codon is conserved across species. In summary, the variant meets our criteria to be classified as a variant of uncertain significance.

NM_000263.4(NAGLU):c.739G>T (p.Gly247Trp)

Gene: NAGLU (N-acetyl-alpha-glucosaminidase; plus strand). Cytogenetic location: 17q21.2.
Variant type: single nucleotide variant.
Coding change: c.739G>T on transcript NM_000263.4 (MANE Select); coding-DNA position 739, G replaced by T.
Protein change: p.Gly247Trp; replaces glycine 247 with tryptophan.
Molecular consequence: missense variant.
Genome position (GRCh38, 1-based): chr17:42,538,730, G>T. VCF-style: chr17-42538730-G-T. GRCh37 (hg19) VCF-style: chr17-40690748-G-T.
Other names: p.Gly247Trp; short protein forms G247W.
Identifiers: ClinVar variation 1710495 (VCV001710495.3), dbSNP rs2510653910, ClinGen allele CA399599063.